The following is an entry in ClinVar:

NM_000548.5(TSC2):c.2758G>T (p.Val920Phe)

Gene: TSC2 (TSC complex subunit 2; plus strand). Cytogenetic location: 16p13.3.
Variant type: single nucleotide variant.
Coding change: c.2758G>T on transcript NM_000548.5 (MANE Select); coding-DNA position 2758, G replaced by T.
Protein change: p.Val920Phe; replaces valine 920 with phenylalanine.
Molecular consequence: missense variant. On other transcripts: non-coding transcript variant (5).
Genome position (GRCh38, 1-based): chr16:2,076,506, G>T. VCF-style: chr16-2076506-G-T. GRCh37 (hg19) VCF-style: chr16-2126507-G-T.
Other names: c.2848G>T, p.Val950Phe (NM_001406668.1, NM_001406667.1); c.2647G>T, p.Val883Phe (NM_001406670.1, NM_001406678.1, NM_001318827.2); c.2746G>T, p.Val916Phe (NM_001406671.1, NM_001406673.1); c.2701G>T, p.Val901Phe (NM_001406677.1); c.2611G>T, p.Val871Phe (NM_001406675.1, NM_001406676.1, NM_001318829.2 and 1 more transcripts); c.2758G>T, p.Val920Phe (NM_001077183.3, NM_001114382.3, NM_001363528.2 and 6 more transcripts); c.2158G>T, p.Val720Phe (NM_001318831.2, NM_001406680.1, NM_001406682.1 and 6 more transcripts); c.2791G>T, p.Val931Phe (NM_001318832.2); and 3 more; short protein forms V386F, V883F, V916F, V920F, V472F, V720F, V766F, V931F.
Identifiers: ClinVar variation 2449954 (VCV002449954.2), dbSNP rs2151394156, ClinGen allele CA394279836.

ClinVar aggregate classification (germline): Uncertain significance (1 of 4 stars; one submission).

Conditions:
Hereditary cancer-predisposing syndrome. Also called: Neoplastic Syndromes, Hereditary; Tumor predisposition; Hereditary neoplastic syndrome; Hereditary Cancer Syndrome. Identifiers: Orphanet 140162, MedGen C0027672, MeSH D009386, MONDO:0015356.

Submission:

Ambry Genetics
Classification: Uncertain significance for Hereditary cancer-predisposing syndrome. Last evaluated: 2022-11-16. Review status: criteria provided, single submitter. Criteria: Ambry Variant Classification Scheme 2023. Collection method: clinical testing. Allele origin: germline.
Comment: The p.V920F variant (also known as c.2758G>T), located in coding exon 24 of the TSC2 gene, results from a G to T substitution at nucleotide position 2758. The valine at codon 920 is replaced by phenylalanine, an amino acid with highly similar properties. This amino acid position is conserved. In addition, this alteration is predicted to be deleterious by in silico analysis. Since supporting evidence is limited at this time, the clinical significance of this alteration remains unclear.